The following is an entry in ClinVar:

NM_152383.5(DIS3L2):c.873A>C (p.Ala291=)

Gene: DIS3L2 (DIS3 like 3'-5' exoribonuclease 2; plus strand). Cytogenetic location: 2q37.1.
Variant type: single nucleotide variant.
Coding change: c.873A>C on transcript NM_152383.5 (MANE Select); coding-DNA position 873, A replaced by C.
Protein change: p.Ala291=; no amino-acid change (alanine 291 retained).
Molecular consequence: synonymous variant. On other transcripts: non-coding transcript variant (1).
Genome position (GRCh38, 1-based): chr2:232,136,642, A>C. VCF-style: chr2-232136642-A-C. GRCh37 (hg19) VCF-style: chr2-233001352-A-C.
Other names: c.873A>C, p.Ala291= (NM_001257281.2).
Identifiers: ClinVar variation 4085701 (VCV004085701.8).

ClinVar aggregate classification (germline): Likely benign (1 of 4 stars; one submission).

Submission:

CeGaT Center for Human Genetics Tuebingen
Classification: Likely benign. Last evaluated: 2025-08-01. Review status: criteria provided, single submitter. Criteria: CeGaT Center For Human Genetics Tuebingen Variant Classification Criteria Version 2. Collection method: clinical testing. Allele origin: germline. Affected: yes. Observed: 1 variant allele.
Comment: DIS3L2: PM2:Supporting, BP4, BP7